The following is an entry in ClinVar:

NM_058216.3(RAD51C):c.314C>G (p.Ser105Ter)

Gene: RAD51C (RAD51 paralog C; plus strand). Cytogenetic location: 17q22.
Variant type: single nucleotide variant.
Coding change: c.314C>G on transcript NM_058216.3 (MANE Select); coding-DNA position 314, C replaced by G.
Protein change: p.Ser105Ter; replaces serine 105 with a stop codon.
Molecular consequence: nonsense. On other transcripts: non-coding transcript variant (2).
Genome position (GRCh38, 1-based): chr17:58,695,099, C>G. VCF-style: chr17-58695099-C-G. GRCh37 (hg19) VCF-style: chr17-56772460-C-G.
Other names: c.314C>G, p.Ser105Ter (NM_002876.4); c.314C>G (NM_058216.1); short protein forms S105*.
Identifiers: ClinVar variation 627695 (VCV000627695.5), dbSNP rs1567786326, ClinGen allele CA400341143.

ClinVar aggregate classification (germline): Pathogenic. Review status: criteria provided, multiple submitters, no conflicts (2 of 4 stars). 2 submissions from 2 submitters: Pathogenic (2). Last evaluated 2025-11-04.

Conditions:
Hereditary cancer-predisposing syndrome. Also called: Tumor predisposition; Hereditary Cancer Syndrome; Neoplastic Syndromes, Hereditary; Hereditary neoplastic syndrome. Identifiers: Orphanet 140162, MedGen C0027672, MeSH D009386, MONDO:0015356.

Submissions (2):

Ambry Genetics
Classification: Pathogenic for Hereditary cancer-predisposing syndrome. Last evaluated: 2025-11-04. Review status: criteria provided, single submitter. Criteria: Ambry Variant Classification Scheme 2023. Collection method: clinical testing. Allele origin: germline.
Comment: The p.S105* pathogenic mutation (also known as c.314C>G), located in coding exon 2 of the RAD51C gene, results from a C to G substitution at nucleotide position 314. This changes the amino acid from a serine to a stop codon within coding exon 2. This variant is considered to be rare based on population cohorts in the Genome Aggregation Database (gnomAD). This alteration is expected to result in loss of function by premature protein truncation or nonsense-mediated mRNA decay. As such, this alteration is interpreted as a disease-causing mutation.

Color Diagnostics, LLC DBA Color Health
Classification: Pathogenic for Hereditary cancer-predisposing syndrome. Last evaluated: 2020-01-15. Review status: criteria provided, single submitter. Criteria: ACMG Guidelines, 2015. Collection method: clinical testing. Allele origin: germline.
Comment: This variant changes 1 nucleotide in exon 2 of the RAD51C gene, creating a premature translation stop signal. This variant is expected to result in an absent or non-functional protein product. This variant has not been identified in the general population by the Genome Aggregation Database (gnomAD). Loss of RAD51C function is a known mechanism of disease. Based on the available evidence, this variant is classified as Pathogenic.